The following is an entry in ClinVar:

NM_206933.4(USH2A):c.11714G>A (p.Arg3905His)

Gene: USH2A (usherin; minus strand). Cytogenetic location: 1q41.
Variant type: single nucleotide variant.
Coding change: c.11714G>A on transcript NM_206933.4 (MANE Select); coding-DNA position 11714, G replaced by A.
Protein change: p.Arg3905His; replaces arginine 3905 with histidine.
Molecular consequence: missense variant.
Genome position (GRCh38, 1-based): chr1:215,728,382, C>T on the plus strand (G>A on the coding strand, the complement: USH2A is on the minus strand). VCF-style: chr1-215728382-C-T. GRCh37 (hg19) VCF-style: chr1-215901724-C-T.
Other names: short protein forms R3905H.
Identifiers: ClinVar variation 636113 (VCV000636113.8), dbSNP rs201709470, ClinGen allele CA1393628.
Genomic context (GRCh38, chr1:215,728,382, plus strand): 5'-AATTCAAGGGCTCCTTCTGACCAGACAAATAAAACAGACTCCTCTTCAATGCCAGCAGGG[C>T]GTCTGAAAGGAAACCAAGCAGGCAACCAGTGACAGCTGCACACTTCAAAACAAAGTTTGT-3'
Protein context (NP_996816.3, residues 3895-3915): GIIINYFIYR[Arg3905His]PAGIEEESVL

ClinVar aggregate classification (germline): Conflicting classifications of pathogenicity. Review status: criteria provided, conflicting classifications (1 of 4 stars). 6 submissions from 5 submitters: Likely pathogenic (1); Uncertain significance (4). 1 of the submissions does not count toward it. Last evaluated 2023-11-04.

Conditions:
Retinitis pigmentosa (RP). Identifiers: Orphanet 791, MedGen C0035334, MeSH D012174, MONDO:0019200, OMIM 268000. Inheritance: Autosomal dominant, autosomal recessive and X linked inheritance.
USH2A-related disorder. Also called: USH2A-related disorders; USH2A-related condition. Identifiers: MedGen CN239332.
Retinitis pigmentosa 39 (RP39). Identifiers: Orphanet 791, MedGen C3151138, MONDO:0013436, OMIM 613809.
Usher syndrome type 2A. Also called: RETINAL DISEASE IN USHER SYNDROME TYPE IIA, MODIFIER OF; USHER SYNDROME, TYPE IIA. Identifiers: Orphanet 231178, Orphanet 886, MedGen C1848634, MONDO:0010169, OMIM 276901.

Allele frequency attached by ClinVar (database versions not stated): gnomAD 0.00002 and 0.00003; gnomAD exomes 0.00002 and 0.00003; ExAC 0.00003; 1000 Genomes Project 0.00020; 1000 Genomes Project 30x 0.00031.
gnomAD v4.1: 56 of 1,613,914 alleles (0.0035%); highest among the groups gnomAD compares: Middle Eastern, 0.017%; no homozygotes.

Submissions (6):

Genome-Nilou Lab
Classification: Uncertain significance for Retinitis pigmentosa 39. Last evaluated: 2023-11-04. Review status: criteria provided, single submitter. Criteria: ACMG Guidelines, 2015. Collection method: clinical testing. Allele origin: germline. Affected: no.

Genome-Nilou Lab
Classification: Uncertain significance for Usher syndrome type 2A. Last evaluated: 2023-11-04. Review status: criteria provided, single submitter. Criteria: ACMG Guidelines, 2015. Collection method: clinical testing. Allele origin: germline. Affected: no.

Labcorp Genetics (formerly Invitae), Labcorp
Classification: Uncertain significance. Last evaluated: 2022-09-06. Review status: criteria provided, single submitter. Criteria: Invitae Variant Classification Sherloc (09022015). Collection method: clinical testing. Allele origin: germline.
Comment: This sequence change replaces arginine, which is basic and polar, with histidine, which is basic and polar, at codon 3905 of the USH2A protein (p.Arg3905His). This variant is present in population databases (rs201709470, gnomAD 0.01%). This missense change has been observed in individual(s) with retinitis pigmentosa (PMID: 30718709). ClinVar contains an entry for this variant (Variation ID: 636113). Algorithms developed to predict the effect of missense changes on protein structure and function output the following: SIFT: "Deleterious"; PolyPhen-2: "Probably Damaging"; Align-GVGD: "Class C25". The histidine amino acid residue is found in multiple mammalian species, which suggests that this missense change does not adversely affect protein function. This variant disrupts the p.Arg3905 amino acid residue in USH2A. Other variant(s) that disrupt this residue have been determined to be pathogenic (PMID: 24944099, 25333064, 27208204, 28559085). This suggests that this residue is clinically significant, and that variants that disrupt this residue are likely to be disease-causing. In summary, the available evidence is currently insufficient to determine the role of this variant in disease. Therefore, it has been classified as a Variant of Uncertain Significance.

Blueprint Genetics
Classification: Likely pathogenic for USH2A-related disorders. Last evaluated: 2022-03-14. Review status: criteria provided, single submitter. Criteria: ACMG Guidelines, 2015. Collection method: clinical testing. Allele origin: germline. Affected: yes. Observed: 3 variant alleles.

Centre for Mendelian Genomics, University Medical Centre Ljubljana
Classification: Uncertain significance for Usher syndrome type 2A. Last evaluated: 2019-03-31. Review status: criteria provided, single submitter. Criteria: ACMG Guidelines, 2015. Collection method: clinical testing. Allele origin: unknown. Affected: yes.
Comment: This variant was classified as: Uncertain significance. The available evidence favors the pathogenic nature of this variant, however the currently available data is insufficient to conclusively support its pathogenic nature. Thus this variant is classified as Uncertain significance - favor pathogenic. The following ACMG criteria were applied in classifying this variant: PM2,PP3.

Department of Clinical Genetics, Copenhagen University Hospital, Rigshospitalet
Classification: Uncertain significance for Retinitis pigmentosa. Last evaluated: 2018-04-01. Review status: no assertion criteria provided. Collection method: research. Allele origin: unknown. Affected: yes. Study: VeluxRD. Not counted in ClinVar's aggregate classification.

Literature cited by the submitters: PubMed 30718709 (cited by Labcorp Genetics (formerly Invitae), Labcorp and Department of Clinical Genetics, Copenhagen University Hospital, Rigshospitalet); PubMed 24944099 (cited by Labcorp Genetics (formerly Invitae), Labcorp); PubMed 25333064 (cited by Labcorp Genetics (formerly Invitae), Labcorp); PubMed 27208204 (cited by Labcorp Genetics (formerly Invitae), Labcorp); PubMed 28559085 (cited by Labcorp Genetics (formerly Invitae), Labcorp).